The following is an entry in ClinVar:

NM_004984.4(KIF5A):c.1236G>A (p.Glu412=)

Gene: KIF5A (kinesin family member 5A; plus strand). Cytogenetic location: 12q13.3.
Variant type: single nucleotide variant.
Coding change: c.1236G>A on transcript NM_004984.4 (MANE Select); coding-DNA position 1236, G replaced by A.
Protein change: p.Glu412=; no amino-acid change (glutamic acid 412 retained).
Molecular consequence: synonymous variant.
Genome position (GRCh38, 1-based): chr12:57,570,105, G>A. VCF-style: chr12-57570105-G-A. GRCh37 (hg19) VCF-style: chr12-57963888-G-A.
Other names: c.969G>A, p.Glu323= (NM_001354705.2).
Identifiers: ClinVar variation 698280 (VCV000698280.11), dbSNP rs143591739, ClinGen allele CA6652796.

ClinVar aggregate classification (germline): Likely benign. Review status: criteria provided, single submitter (1 of 4 stars). 2 submissions from 2 submitters: Likely benign (1). 1 of the submissions does not count toward it. Last evaluated 2026-01-19.

Conditions:
KIF5A-related disorder. Also called: KIF5A-related disorders; KIF5A-related condition.
Spastic paraplegia. Identifiers: MedGen C0037772, HP:0001258.

Allele frequency attached by ClinVar (database versions not stated): gnomAD exomes 0.00002 and 0.00010; ExAC 0.00010; ESP Exome Variant Server 0.00015; 1000 Genomes Project 30x 0.00016; 1000 Genomes Project 0.00020; gnomAD 0.00027 and 0.00028; TOPMed 0.00027.
gnomAD v4.1: 69 of 1,614,184 alleles (0.0043%); highest among the groups gnomAD compares: African/African-American, 0.076%; no homozygotes.

Submissions (2):

Labcorp Genetics (formerly Invitae), Labcorp
Classification: Likely benign for Spastic paraplegia. Last evaluated: 2026-01-19. Review status: criteria provided, single submitter. Criteria: Invitae Variant Classification Sherloc (09022015). Collection method: clinical testing. Allele origin: germline.

PreventionGenetics, part of Exact Sciences
Classification: Likely benign for KIF5A-related condition. Last evaluated: 2024-06-30. Review status: no assertion criteria provided. Collection method: clinical testing. Allele origin: germline. Not counted in ClinVar's aggregate classification.
Comment: This variant is classified as likely benign based on ACMG/AMP sequence variant interpretation guidelines (Richards et al. 2015 PMID: 25741868, with internal and published modifications).